The following is an entry in ClinVar:

ClinVar aggregate classification (germline): Uncertain significance (1 of 4 stars; one submission).

Conditions:
Hereditary cancer-predisposing syndrome. Also called: Neoplastic Syndromes, Hereditary; Tumor predisposition; Hereditary Cancer Syndrome; Hereditary neoplastic syndrome. Identifiers: Orphanet 140162, MedGen C0027672, MeSH D009386, MONDO:0015356.

gnomAD v4.1: 1 of 1,614,136 alleles (0.000062%); no homozygotes.

Submission:

Ambry Genetics
Classification: Uncertain significance for Hereditary cancer-predisposing syndrome. Last evaluated: 2020-09-03. Review status: criteria provided, single submitter. Criteria: Ambry Variant Classification Scheme 2023. Collection method: clinical testing. Allele origin: germline.
Comment: The p.V336A variant (also known as c.1007T>C), located in coding exon 8 of the SMARCB1 gene, results from a T to C substitution at nucleotide position 1007. The valine at codon 336 is replaced by alanine, an amino acid with similar properties. This amino acid position is highly conserved in available vertebrate species. In addition, the in silico prediction for this alteration is inconclusive. Since supporting evidence is limited at this time, the clinical significance of this alteration remains unclear.

NM_003073.5(SMARCB1):c.1007T>C (p.Val336Ala)

Gene: SMARCB1 (SWI/SNF related BAF chromatin remodeling complex subunit B1; plus strand). Cytogenetic location: 22q11.23.
Variant type: single nucleotide variant.
Coding change: c.1007T>C on transcript NM_003073.5 (MANE Select); coding-DNA position 1007, T replaced by C.
Protein change: p.Val336Ala; replaces valine 336 with alanine.
Molecular consequence: missense variant.
Genome position (GRCh38, 1-based): chr22:23,833,592, T>C. VCF-style: chr22-23833592-T-C. GRCh37 (hg19) VCF-style: chr22-24175779-T-C.
Other names: c.980T>C, p.Val327Ala (NM_001007468.3); c.1034T>C, p.Val345Ala (NM_001317946.2); c.1061T>C, p.Val354Ala (NM_001362877.2); short protein forms V327A, V336A, V345A, V354A.
Identifiers: ClinVar variation 1788372 (VCV001788372.2), dbSNP rs2517739488, ClinGen allele CA410912990.